The following is an entry in ClinVar:

NM_024529.5(CDC73):c.96del (p.Trp32fs)

Gene: CDC73 (cell division cycle 73; plus strand). Cytogenetic location: 1q31.2.
Variant type: Deletion.
Coding change: c.96del on transcript NM_024529.5 (MANE Select); coding-DNA position 96, one base deleted (G; older notation c.96delG).
Protein change: p.Trp32fs; shifts the reading frame from tryptophan 32.
Molecular consequence: frameshift variant.
Genome position (GRCh38, 1-based): chr1:193,122,296, G deleted; the last of 2 consecutive G bases (chr1:193,122,295-193,122,296); deleting either gives the same sequence. VCF-style (leftmost placement, unchanged base first): chr1-193122294-TG-T. GRCh37 (hg19) VCF-style: chr1-193091424-TG-T.
Other names: short protein forms W32fs.
Identifiers: ClinVar variation 2810313 (VCV002810313.3), dbSNP rs2527281408, ClinGen allele CA2739275497.

ClinVar aggregate classification (germline): Pathogenic (1 of 4 stars; one submission).

Conditions:
Parathyroid carcinoma (PRTC). Also called: CDC73-Related Parathyroid Carcinoma; Parathyroid gland carcinoma. Identifiers: Orphanet 143, MedGen C0687150, MONDO:0012004, OMIM 608266, HP:0006780.

Submission:

Labcorp Genetics (formerly Invitae), Labcorp
Classification: Pathogenic for Parathyroid carcinoma. Last evaluated: 2022-10-28. Review status: criteria provided, single submitter. Criteria: Invitae Variant Classification Sherloc (09022015). Collection method: clinical testing. Allele origin: germline.
Comment: For these reasons, this variant has been classified as Pathogenic. This sequence change creates a premature translational stop signal (p.Trp32Cysfs*5) in the CDC73 gene. It is expected to result in an absent or disrupted protein product. Loss-of-function variants in CDC73 are known to be pathogenic (PMID: 12434154). This variant is not present in population databases (gnomAD no frequency). This variant has not been reported in the literature in individuals affected with CDC73-related conditions.

Literature cited by the submitters: PubMed 12434154.